The following is an entry in ClinVar:

ClinVar aggregate classification (germline): Uncertain significance. Review status: criteria provided, multiple submitters, no conflicts (2 of 4 stars). 2 submissions from 2 submitters: Uncertain significance (2). Last evaluated 2021-09-01.

Conditions:
Inborn genetic diseases. Identifiers: MedGen C0950123, MeSH D030342.
Hyperphosphatasia with impaired intellectual development syndrome 2. Also called: Hyperphosphatasia with intellectual disability syndrome 2; GLYCOSYLPHOSPHATIDYLINOSITOL BIOSYNTHESIS DEFECT 6. Identifiers: Orphanet 247262, MedGen C3553637, MONDO:0013882, OMIM 614749.

Allele frequency attached by ClinVar (database versions not stated): gnomAD exomes 0.00001 and below 0.00001; gnomAD 0.00002; TOPMed 0.00001; ExAC 0.00003.
gnomAD v4.1: 6 of 1,613,562 alleles (0.00037%); highest among the groups gnomAD compares: African/African-American, 0.004%; no homozygotes.

Submissions (2):

Labcorp Genetics (formerly Invitae), Labcorp
Classification: Uncertain significance for Hyperphosphatasia with impaired intellectual development syndrome 2. Last evaluated: 2021-09-01. Review status: criteria provided, single submitter. Criteria: Invitae Variant Classification Sherloc (09022015). Collection method: clinical testing. Allele origin: germline.
Comment: This sequence change replaces arginine with histidine at codon 689 of the PIGO protein (p.Arg689His). The arginine residue is moderately conserved and there is a small physicochemical difference between arginine and histidine. This variant is present in population databases (rs771748735, ExAC 0.02%). This variant has not been reported in the literature in individuals affected with PIGO-related conditions. Algorithms developed to predict the effect of missense changes on protein structure and function output the following: SIFT: "Tolerated"; PolyPhen-2: "Benign"; Align-GVGD: "Class C0". The histidine amino acid residue is found in multiple mammalian species, which suggests that this missense change does not adversely affect protein function. In summary, the available evidence is currently insufficient to determine the role of this variant in disease. Therefore, it has been classified as a Variant of Uncertain Significance.

Ambry Genetics
Classification: Uncertain significance for Inborn genetic diseases. Last evaluated: 2021-06-15. Review status: criteria provided, single submitter. Criteria: Ambry Variant Classification Scheme 2023. Collection method: clinical testing. Allele origin: germline.

NM_032634.4(PIGO):c.2066G>A (p.Arg689His)

Gene: PIGO (phosphatidylinositol glycan anchor biosynthesis class O; minus strand). Cytogenetic location: 9p13.3.
Variant type: single nucleotide variant.
Coding change: c.2066G>A on transcript NM_032634.4 (MANE Select); coding-DNA position 2066, G replaced by A.
Protein change: p.Arg689His; replaces arginine 689 with histidine.
Molecular consequence: missense variant. On other transcripts: intron variant (2).
Genome position (GRCh38, 1-based): chr9:35,091,821, C>T on the plus strand (G>A on the coding strand, the complement: PIGO is on the minus strand). VCF-style: chr9-35091821-C-T. GRCh37 (hg19) VCF-style: chr9-35091818-C-T.
Other names: c.1345-530G>A (NM_152850.4, NM_001201484.2); c.2066G>A (NM_032634.3); short protein forms R689H.
Identifiers: ClinVar variation 1058948 (VCV001058948.7), dbSNP rs771748735, ClinGen allele CA5040509.